The following is an entry in ClinVar:

NM_182961.4(SYNE1):c.9634G>C (p.Glu3212Gln)

Gene: SYNE1 (spectrin repeat containing nuclear envelope protein 1; minus strand). Cytogenetic location: 6q25.2.
Variant type: single nucleotide variant.
Coding change: c.9634G>C on transcript NM_182961.4 (MANE Select); coding-DNA position 9634, G replaced by C.
Protein change: p.Glu3212Gln; replaces glutamic acid 3212 with glutamine.
Molecular consequence: missense variant.
Genome position (GRCh38, 1-based): chr6:152,369,488, C>G on the plus strand (G>C on the coding strand, the complement: SYNE1 is on the minus strand). VCF-style: chr6-152369488-C-G. GRCh37 (hg19) VCF-style: chr6-152690623-C-G.
Other names: c.9655G>C, p.Glu3219Gln (NM_033071.5); short protein forms E3212Q, E3219Q.
Identifiers: ClinVar variation 1444753 (VCV001444753.6), dbSNP rs751257864, ClinGen allele CA366138188.

ClinVar aggregate classification (germline): Uncertain significance (1 of 4 stars; one submission).

Conditions:
Emery-Dreifuss muscular dystrophy 4, autosomal dominant (EDMD4). Also called: EMERY-DREIFUSS MUSCULAR DYSTROPHY 4 WITH VARIABLE FEATURES. Identifiers: Orphanet 261, MedGen C2751807, MONDO:0013071, OMIM 612998.
Autosomal recessive ataxia, Beauce type. Also called: Spinocerebellar ataxia, autosomal recessive 8; ATAXIA, RECESSIVE, OF BEAUCE; SYNE1 Deficiency; SYNE1-Related Autosomal Recessive Cerebellar Ataxia. Identifiers: Orphanet 88644, MedGen C1853116, MONDO:0012549, OMIM 610743.

Submission:

Labcorp Genetics (formerly Invitae), Labcorp
Classification: Uncertain significance for Emery-Dreifuss muscular dystrophy 4, autosomal dominant; Autosomal recessive ataxia, Beauce type. Last evaluated: 2022-08-09. Review status: criteria provided, single submitter. Criteria: Invitae Variant Classification Sherloc (09022015). Collection method: clinical testing. Allele origin: germline.
Comment: This sequence change replaces glutamic acid, which is acidic and polar, with glutamine, which is neutral and polar, at codon 3219 of the SYNE1 protein (p.Glu3219Gln). This variant is not present in population databases (gnomAD no frequency). This variant has not been reported in the literature in individuals affected with SYNE1-related conditions. ClinVar contains an entry for this variant (Variation ID: 1444753). Algorithms developed to predict the effect of missense changes on protein structure and function are either unavailable or do not agree on the potential impact of this missense change (SIFT: "Deleterious"; PolyPhen-2: "Probably Damaging"; Align-GVGD: "Class C0"). In summary, the available evidence is currently insufficient to determine the role of this variant in disease. Therefore, it has been classified as a Variant of Uncertain Significance.